The following is an entry in ClinVar:

ClinVar aggregate classification (germline): Uncertain significance (1 of 4 stars; one submission).

Allele frequency attached by ClinVar (database versions not stated): TOPMed 0.00005; gnomAD 0.00006.
gnomAD v4.1: 16 of 1,614,074 alleles (0.00099%); highest among the groups gnomAD compares: African/African-American, 0.019%; no homozygotes.

Submission:

Labcorp Genetics (formerly Invitae), Labcorp
Classification: Uncertain significance. Last evaluated: 2022-05-24. Review status: criteria provided, single submitter. Criteria: Invitae Variant Classification Sherloc (09022015). Collection method: clinical testing. Allele origin: germline.
Comment: This sequence change replaces lysine, which is basic and polar, with threonine, which is neutral and polar, at codon 142 of the CANT1 protein (p.Lys142Thr). This variant is present in population databases (no rsID available, gnomAD 0.03%). This variant has not been reported in the literature in individuals affected with CANT1-related conditions. Algorithms developed to predict the effect of missense changes on protein structure and function (SIFT, PolyPhen-2, Align-GVGD) all suggest that this variant is likely to be tolerated. In summary, the available evidence is currently insufficient to determine the role of this variant in disease. Therefore, it has been classified as a Variant of Uncertain Significance.

NM_001159773.2(CANT1):c.425A>C (p.Lys142Thr)

Gene: CANT1 (calcium activated nucleotidase 1; minus strand). Cytogenetic location: 17q25.3.
Variant type: single nucleotide variant.
Coding change: c.425A>C on transcript NM_001159773.2 (MANE Select); coding-DNA position 425, A replaced by C.
Protein change: p.Lys142Thr; replaces lysine 142 with threonine.
Molecular consequence: missense variant.
Genome position (GRCh38, 1-based): chr17:78,997,198, T>G on the plus strand (A>C on the coding strand, the complement: CANT1 is on the minus strand). VCF-style: chr17-78997198-T-G. GRCh37 (hg19) VCF-style: chr17-76993280-T-G.
Other names: c.425A>C, p.Lys142Thr (NM_001159772.2, NM_138793.4); short protein forms K142T.
Identifiers: ClinVar variation 1902504 (VCV001902504.2), dbSNP rs867789182, ClinGen allele CA294812400.
Genomic context (GRCh38, chr17:78,997,198, plus strand): 5'-CCCTTCTCCGCCAGGTGGGACTCCAGGACCCCATGGTCTTTGTCCCATTCCACGGCCACC[T>G]TGTCCCCACTGTCTGACAGGGTCAGGTAGCCCTTTTTCAGGTAACTGAACCAGGTGTTTT-3'
Protein context (NP_001153245.1, residues 132-152): GYLTLSDSGD[Lys142Thr]VAVEWDKDHG